The following is an entry in ClinVar:

NM_001029896.2(WDR45):c.498_499del (p.Cys166fs)

Gene: WDR45 (WD repeat domain 45; minus strand). Cytogenetic location: Xp11.23.
Variant type: Microsatellite.
Coding change: c.498_499del on transcript NM_001029896.2 (MANE Select); coding-DNA positions 498 to 499, 2 bases deleted (TG; older notation c.498_499delTG).
Protein change: p.Cys166fs; shifts the reading frame from cysteine 166.
Molecular consequence: frameshift variant.
Genome position (GRCh38, 1-based): chrX:49,075,883-49,075,884, CA deleted on the plus strand (TG on the coding strand, the reverse complement: WDR45 is on the minus strand); deleting any 2 consecutive bases within chrX:49,075,883-49,075,887 gives the same sequence; the c. name uses the placement nearest the transcript's 3' end. VCF-style (leftmost placement, unchanged base first): chrX-49075882-CCA-C. GRCh37 (hg19) VCF-style: chrX-48933541-CCA-C.
Other names: c.501_502del, p.Cys167fs (NM_007075.4); short protein forms C166fs, C167fs.
Identifiers: ClinVar variation 2576564 (VCV002576564.2), dbSNP rs2520262143, ClinGen allele CA2580617043.

ClinVar aggregate classification (germline): Likely pathogenic (1 of 4 stars; one submission).

Conditions:
Neurodegeneration with brain iron accumulation 5 (NBIA5). Also called: STATIC ENCEPHALOPATHY OF CHILDHOOD WITH NEURODEGENERATION IN ADULTHOOD; Beta-propeller protein-associated neurodegeneration. Identifiers: Orphanet 329284, MedGen C3550973, MONDO:0010476, OMIM 300894.

Submission:

Institute of Human Genetics, University of Leipzig Medical Center
Classification: Likely pathogenic for Neurodegeneration with brain iron accumulation 5. Last evaluated: 2023-07-26. Review status: criteria provided, single submitter. Criteria: ACMG Guidelines, 2015. Collection method: clinical testing. Allele origin: unknown. Inheritance: X-linked dominant inheritance. Affected: yes.
Comment: Criteria applied: PVS1,PM2_SUP